The following is an entry in ClinVar:

NM_001356.5(DDX3X):c.1039_1040inv (p.Asp347Ser)

Gene: DDX3X (DEAD-box helicase 3 X-linked; plus strand). Cytogenetic location: Xp11.4.
Variant type: Inversion.
Coding change: c.1039_1040inv on transcript NM_001356.5 (MANE Select).
Protein change: p.Asp347Ser; replaces aspartic acid 347 with serine.
Molecular consequence: missense variant. On other transcripts: non-coding transcript variant (1).
Genome position: GRCh38 VCF-style: chrX-41345193-GA-TC. GRCh37 (hg19) VCF-style: chrX-41204446-GA-TC.
Other names: c.1039_1040inv, p.Asp347Ser (NM_001193416.3); c.991_992inv, p.Asp331Ser (NM_001193417.3); c.481_482inv, p.Asp161Ser (NM_001363819.1); short protein forms D331S, D161S, D347S.
Identifiers: ClinVar variation 2111570 (VCV002111570.4), ClinGen allele CA2580100989.

ClinVar aggregate classification (germline): Uncertain significance (1 of 4 stars; one submission).

Submission:

Labcorp Genetics (formerly Invitae), Labcorp
Classification: Uncertain significance. Last evaluated: 2022-03-17. Review status: criteria provided, single submitter. Criteria: Invitae Variant Classification Sherloc (09022015). Collection method: clinical testing. Allele origin: germline.
Comment: This sequence change replaces aspartic acid, which is acidic and polar, with serine, which is neutral and polar, at codon 347 of the DDX3X protein (p.Asp347Ser). Information on the frequency of this variant in the gnomAD database is not available, as this variant may be reported differently in the database. This variant has not been reported in the literature in individuals affected with DDX3X-related conditions. Experimental studies and prediction algorithms are not available or were not evaluated, and the functional significance of this variant is currently unknown. In summary, the available evidence is currently insufficient to determine the role of this variant in disease. Therefore, it has been classified as a Variant of Uncertain Significance.